The following is an entry in ClinVar:

ClinVar aggregate classification (germline): Uncertain significance. Review status: criteria provided, multiple submitters, no conflicts (2 of 4 stars). 8 submissions from 8 submitters: Uncertain significance (6). 2 of the submissions do not count toward it. Last evaluated 2026-01-21.

Conditions:
Autosomal recessive Alport syndrome (ATS2). Also called: COL4A4 Alport Syndrome and Thin Basement Membrane Nephropathy; COL4A3-Related Nephropathy; ALPORT SYNDROME 2, AUTOSOMAL RECESSIVE; Alport syndrome type 2. Identifiers: Orphanet 63, Orphanet 88919, MedGen C4746745, MONDO:0008762, OMIM 203780.
Hematuria, benign familial, 1 (BFH1). Also called: THIN MEMBRANE NEPHROPATHY. Identifiers: MedGen CN376803, MONDO:0007709, OMIM 141200.
Alport syndrome. Also called: Hemorrhagic familial nephritis; Hemorrhagic hereditary nephritis; Congenital hereditary hematuria. Identifiers: Orphanet 63, MedGen C1567741, MONDO:0018965.

Allele frequency attached by ClinVar (database versions not stated): gnomAD 0.00003 and 0.00001; TOPMed 0.00003; gnomAD exomes 0.00007; ExAC 0.00011; 1000 Genomes Project 30x 0.00031; 1000 Genomes Project 0.00040.
gnomAD v4.1: 102 of 1,604,480 alleles (0.0064%); highest among the groups gnomAD compares: East Asian, 0.23%; no homozygotes.

Submissions (8):

Labcorp Genetics (formerly Invitae), Labcorp
Classification: Uncertain significance. Last evaluated: 2026-01-21. Review status: criteria provided, single submitter. Criteria: Invitae Variant Classification Sherloc (09022015). Collection method: clinical testing. Allele origin: germline.
Comment: This sequence change replaces aspartic acid, which is acidic and polar, with glycine, which is neutral and non-polar, at codon 682 of the COL4A4 protein (p.Asp682Gly). This variant is present in population databases (rs142093416, gnomAD 0.1%). This missense change has been observed in individual(s) with clinical features of Alport syndrome (PMID: 27281700). ClinVar contains an entry for this variant (Variation ID: 225322). Invitae Evidence Modeling of protein sequence and biophysical properties (such as structural, functional, and spatial information, amino acid conservation, physicochemical variation, residue mobility, and thermodynamic stability) indicates that this missense variant is not expected to disrupt COL4A4 protein function with a negative predictive value of 95%. In summary, the available evidence is currently insufficient to determine the role of this variant in disease. Therefore, it has been classified as a Variant of Uncertain Significance.

3billion
Classification: Uncertain significance for Autosomal recessive Alport syndrome. Last evaluated: 2026-01-19. Review status: criteria provided, single submitter. Criteria: ACMG Guidelines, 2015. Collection method: clinical testing. Allele origin: germline. Affected: yes.
Comment: The variant is observed at an extremely low frequency in the gnomAD v4.1.0 dataset (total allele frequency: 0.006%). Predicted Consequence/Location: The variant is located in a mutational hot spot and/or well-established functional domain in which established pathogenic variants have been reported (PMID: 30311386). Damaging effect on gene or gene product predicted by in silico programs is uncertain [REVEL: 0.38 (damaging >=0.6, benign <0.4), 3Cnet: 0.33 (damaging >0.75, benign <0.1)]. The same nucleotide change resulting in the same amino acid change has been previously reported to be associated with COL4A4-related disorder (PMID: 23967202). However, the evidence of pathogenicity is insufficient at this time. Therefore, this variant is classified as VUS according to the recommendation of ACMG/AMP guideline.

Fulgent Genetics
Classification: Uncertain significance for Hematuria, benign familial, 1; Autosomal recessive Alport syndrome. Last evaluated: 2024-05-18. Review status: criteria provided, single submitter. Criteria: ACMG Guidelines, 2015. Collection method: clinical testing. Allele origin: germline.

GeneDx
Classification: Uncertain significance. Last evaluated: 2021-05-19. Review status: criteria provided, single submitter. Criteria: GeneDx Variant Classification Process June 2021. Collection method: clinical testing. Allele origin: germline. Affected: yes.
Comment: Observed in the heterozygous state in a individual with hearing loss in the published literature, however, information was limited (Miyagawa et al., 2013); Observed in a patient with thin basement nephropathy in the published literature; this variant was also noted in the same study to be observed in 143 controls in the Korean population (Baek et al., 2009); In silico analysis, which includes protein predictors and evolutionary conservation, supports that this variant does not alter protein structure/function; Occurs in the triple helical domain at the Y position in the canonical Gly-X-Y repeat; although this variant may have an effect on normal protein folding and function, missense substitution at the Y position is not a common mechanism of disease; This variant is associated with the following publications: (PMID: 19675380, 23967202)

Illumina Laboratory Services, Illumina
Classification: Uncertain significance for Alport syndrome. Last evaluated: 2017-07-13. Review status: criteria provided, single submitter. Criteria: ICSL Variant Classification Criteria 13 December 2019. Collection method: clinical testing. Allele origin: germline.
Comment: This variant was observed as part of a predisposition screen in an ostensibly healthy population. A literature search was performed for the gene, cDNA change, and amino acid change (where applicable). Publications were found based on this search. However, the evidence from the literature, in combination with allele frequency data from public databases where available, was not sufficient to rule this variant in or out of causing disease. Therefore, this variant is classified as a variant of unknown significance.

Soonchunhyang University Bucheon Hospital, Soonchunhyang University Medical Center
Classification: Uncertain significance for Autosomal recessive Alport syndrome. Last evaluated: 2016-03-18. Review status: criteria provided, single submitter. Criteria: ACMG Guidelines, 2015. Collection method: reference population. Allele origin: germline. Observed: 1 variant allele.

Natera, Inc.
Classification: Uncertain significance for Alport syndrome. Last evaluated: 2020-02-12. Review status: no assertion criteria provided. Collection method: clinical testing. Allele origin: germline. Not counted in ClinVar's aggregate classification.

Counsyl
Classification: Uncertain significance for Autosomal recessive Alport syndrome. Last evaluated: 2017-07-31. Review status: no assertion criteria provided. Collection method: clinical testing. Allele origin: unknown. Not counted in ClinVar's aggregate classification.

Literature cited by the submitters: PubMed 27281700 (cited by Labcorp Genetics (formerly Invitae), Labcorp); PubMed 23967202 (cited by 3 submitters); PubMed 19675380 (cited by Illumina Laboratory Services, Illumina).

NM_000092.5(COL4A4):c.2045A>G (p.Asp682Gly)

Gene: COL4A4 (collagen type IV alpha 4 chain; minus strand). Cytogenetic location: 2q36.3.
Variant type: single nucleotide variant.
Coding change: c.2045A>G on transcript NM_000092.5 (MANE Select); coding-DNA position 2045, A replaced by G.
Protein change: p.Asp682Gly; replaces aspartic acid 682 with glycine.
Molecular consequence: missense variant.
Genome position (GRCh38, 1-based): chr2:227,062,541, T>C on the plus strand (A>G on the coding strand, the complement: COL4A4 is on the minus strand). VCF-style: chr2-227062541-T-C. GRCh37 (hg19) VCF-style: chr2-227927257-T-C.
Other names: short protein forms D682G.
Identifiers: ClinVar variation 225322 (VCV000225322.20), dbSNP rs142093416, ClinGen allele CA2144979.